The following is an entry in ClinVar:

ClinVar aggregate classification (germline): Uncertain significance. Review status: criteria provided, multiple submitters, no conflicts (2 of 4 stars). 2 submissions from 2 submitters: Uncertain significance (2). Last evaluated 2023-07-07.

Conditions:
Cystic fibrosis (CF). Also called: MUCOVISCIDOSIS. Identifiers: Orphanet 586, MedGen C0010674, MONDO:0009061, OMIM 219700. Disease mechanism: loss of function.

Allele frequency attached by ClinVar (database versions not stated): 1000 Genomes Project 0.00080; gnomAD exomes 0.00023; TOPMed 0.00004; 1000 Genomes Project 30x 0.00062; gnomAD 0.00018.

Submissions (2):

Quest Diagnostics Nichols Institute San Juan Capistrano
Classification: Uncertain significance. Last evaluated: 2023-07-07. Review status: criteria provided, single submitter. Criteria: Quest Diagnostics criteria. Collection method: clinical testing. Allele origin: unknown.
Comment: The CFTR c.-116C>T variant, to the best of our knowledge, has not been reported in the published literature. It also has not been reported in large, multi-ethnic general populations (Genome Aggregation Database). Based on the available information, we are unable to determine the clinical significance of this variant.

Ambry Genetics
Classification: Uncertain significance for Cystic fibrosis. Last evaluated: 2014-06-11. Review status: criteria provided, single submitter. Criteria: Ambry Variant Classification Scheme 2023. Collection method: clinical testing. Allele origin: germline.
Comment: Co-segregation data for this variant is currently unavailable. The phase of this variant with the pathogenic mutation(s) (cis or trans) was not determined. Allele frequency data in population-based cohorts is not currently available. This nucleotide position is conserved on limited sequence alignment.

NM_000492.3(CFTR):c.-116C>T

Genes: CFTR (CF transmembrane conductance regulator; plus strand), LOC111674463 (CFTR promoter region; plus strand). Cytogenetic location: 7q31.2.
Variant type: single nucleotide variant.
Coding change: c.-116C>T on transcript NM_000492.3; 116 bases upstream of the start codon, C replaced by T.
Genome position (GRCh38, 1-based): chr7:117,479,979, C>T. VCF-style: chr7-117479979-C-T. GRCh37 (hg19) VCF-style: chr7-117120033-C-T.
Identifiers: ClinVar variation 2681864 (VCV002681864.2), dbSNP rs563343413, ClinGen allele CA164948733.